The following is an entry in ClinVar:

ClinVar aggregate classification (germline): Conflicting classifications of pathogenicity. Review status: criteria provided, conflicting classifications (1 of 4 stars). 3 submissions from 3 submitters: Likely pathogenic (2); Uncertain significance (1). Last evaluated 2025-08-22.

Conditions:
Alport syndrome. Also called: Hemorrhagic familial nephritis; Hemorrhagic hereditary nephritis; Congenital hereditary hematuria. Identifiers: Orphanet 63, MedGen C1567741, MONDO:0018965.
Autosomal dominant Alport syndrome (ATS3A). Also called: Alport syndrome dominant type; Renal failure and sensorineural hearing loss; ALPORT SYNDROME 3A, AUTOSOMAL DOMINANT. Identifiers: Orphanet 63, Orphanet 88918, MedGen C5882663, MONDO:0007086, OMIM 104200.
Autosomal recessive Alport syndrome (ATS2). Also called: COL4A4 Alport Syndrome and Thin Basement Membrane Nephropathy; ALPORT SYNDROME 2, AUTOSOMAL RECESSIVE; Alport syndrome type 2; COL4A3-Related Nephropathy. Identifiers: Orphanet 63, Orphanet 88919, MedGen C4746745, MONDO:0008762, OMIM 203780.
Benign familial hematuria. Also called: thin basement membrane disease. Identifiers: MedGen C0241908, MONDO:0957317.

Submissions (3):

Natera, Inc.
Classification: Likely pathogenic for Alport syndrome. Last evaluated: 2025-08-22. Review status: criteria provided, single submitter. Criteria: Natera Variant Classification Schema (03/2026). Collection method: clinical testing. Allele origin: germline.
Comment: The c.2048G>A variant in COL4A3 is a missense variant predicted to cause substitution of glycine to glutamic acid at amino acid 683. This variant is rare in the general population with a frequency below the threshold expected for the associated phenotype(s). This variant is located in a functionally critical region of the protein. Computational prediction algorithms indicate this variant is likely to affect gene or protein function. Given the available evidence, this variant is classified as Likely Pathogenic.

Labcorp Genetics (formerly Invitae), Labcorp
Classification: Uncertain significance. Last evaluated: 2021-10-10. Review status: criteria provided, single submitter. Criteria: Invitae Variant Classification Sherloc (09022015). Collection method: clinical testing. Allele origin: germline.
Comment: In summary, the available evidence is currently insufficient to determine the role of this variant in disease. Therefore, it has been classified as a Variant of Uncertain Significance. Advanced modeling of protein sequence and biophysical properties (such as structural, functional, and spatial information, amino acid conservation, physicochemical variation, residue mobility, and thermodynamic stability) performed at Invitae indicates that this missense variant is not expected to disrupt COL4A3 protein function. ClinVar contains an entry for this variant (Variation ID: 1179094). This variant has not been reported in the literature in individuals affected with COL4A3-related conditions. This variant is not present in population databases (ExAC no frequency). This sequence change replaces glycine with glutamic acid at codon 683 of the COL4A3 protein (p.Gly683Glu). The glycine residue is highly conserved and there is a moderate physicochemical difference between glycine and glutamic acid.

Fulgent Genetics
Classification: Likely pathogenic for Autosomal dominant Alport syndrome; Hematuria, benign familial, 1; Autosomal recessive Alport syndrome. Last evaluated: 2021-06-30. Review status: criteria provided, single submitter. Criteria: ACMG Guidelines, 2015. Collection method: clinical testing. Allele origin: unknown.
Comment: This variant has been detected in individual(s) who were sent for testing of Renasight - kidney gene panel.

NM_000091.5(COL4A3):c.2048G>A (p.Gly683Glu)

Genes: COL4A3 (collagen type IV alpha 3 chain; plus strand), MFF-DT (MFF divergent transcript; minus strand). Cytogenetic location: 2q36.3.
Variant type: single nucleotide variant.
Coding change: c.2048G>A on transcript NM_000091.5 (MANE Select); coding-DNA position 2048, G replaced by A.
Protein change: p.Gly683Glu; replaces glycine 683 with glutamic acid.
Molecular consequence: missense variant.
Genome position (GRCh38, 1-based): chr2:227,277,476, G>A. VCF-style: chr2-227277476-G-A. GRCh37 (hg19) VCF-style: chr2-228142192-G-A.
Other names: short protein forms G683E.
Identifiers: ClinVar variation 1179094 (VCV001179094.9), dbSNP rs2106132144, ClinGen allele CA350846737.
Genomic context (GRCh38, chr2:227,277,476, plus strand): 5'-ATGTGGAGATGCATATGTGTATTTGTTTCTAAGGTATCCCTGGATCCCTGGGGAAATGTG[G>A]AGATCCTGGTCTTCCAGGGCCTGATGGTGAACCAGGAATTCCAGGAATTGGATTTCCTGG-3'
Protein context (NP_000082.2, residues 673-693): PGIPGSLGKC[Gly683Glu]DPGLPGPDGE